The following is an entry in ClinVar:

ClinVar aggregate classification (germline): Likely benign. Review status: criteria provided, multiple submitters, no conflicts (2 of 4 stars). 3 submissions from 3 submitters: Likely benign (3). Last evaluated 2025-12-05.

Conditions:
Catecholaminergic polymorphic ventricular tachycardia 1. Also called: VENTRICULAR TACHYCARDIA, CATECHOLAMINERGIC POLYMORPHIC, 1, WITH OR WITHOUT ATRIAL DYSFUNCTION AND/OR DILATED CARDIOMYOPATHY; RYR2-Related Catecholaminergic Polymorphic Ventricular Tachycardia; VENTRICULAR TACHYCARDIA, STRESS-INDUCED POLYMORPHIC 1. Identifiers: Orphanet 3286, MedGen C1631597, MONDO:0011484, OMIM 604772.

Allele frequency attached by ClinVar (database versions not stated): gnomAD 0.00002 and 0.00003; TOPMed 0.00002; gnomAD exomes 0.00003; 1000 Genomes Project 30x 0.00031.
gnomAD v4.1: 38 of 1,399,872 alleles (0.0027%); highest among the groups gnomAD compares: Non-Finnish European, 0.0036%; no homozygotes.

Submissions (3):

Women's Health and Genetics/Laboratory Corporation of America, LabCorp
Classification: Likely benign. Last evaluated: 2025-12-05. Review status: criteria provided, single submitter. Criteria: LabCorp Variant Classification Summary - May 2015. Collection method: clinical testing. Allele origin: germline.

Labcorp Genetics (formerly Invitae), Labcorp
Classification: Likely benign for Catecholaminergic polymorphic ventricular tachycardia 1. Last evaluated: 2025-10-14. Review status: criteria provided, single submitter. Criteria: Invitae Variant Classification Sherloc (09022015). Collection method: clinical testing. Allele origin: germline.

GeneDx
Classification: Likely benign. Last evaluated: 2018-04-17. Review status: criteria provided, single submitter. Criteria: GeneDx Variant Classification (06012015). Collection method: clinical testing. Allele origin: germline. Affected: yes.
Comment: This variant is considered likely benign or benign based on one or more of the following criteria: it is a conservative change, it occurs at a poorly conserved position in the protein, it is predicted to be benign by multiple in silico algorithms, and/or has population frequency not consistent with disease.

NM_001035.3(RYR2):c.13477-18A>G

Gene: RYR2 (ryanodine receptor 2; plus strand). Cytogenetic location: 1q43.
Variant type: single nucleotide variant.
Coding change: c.13477-18A>G on transcript NM_001035.3 (MANE Select); 18 bases into the intron before coding-DNA position 13477, A replaced by G.
Molecular consequence: intron variant.
Genome position (GRCh38, 1-based): chr1:237,791,411, A>G. VCF-style: chr1-237791411-A-G. GRCh37 (hg19) VCF-style: chr1-237954711-A-G.
Identifiers: ClinVar variation 682155 (VCV000682155.5), dbSNP rs1381666659, ClinGen allele CA733299287.